The following is an entry in ClinVar:

ClinVar aggregate classification (germline): Pathogenic (1 of 4 stars; one submission).

Submission:

Labcorp Genetics (formerly Invitae), Labcorp
Classification: Pathogenic. Last evaluated: 2024-09-20. Review status: criteria provided, single submitter. Criteria: Invitae Variant Classification Sherloc (09022015). Collection method: clinical testing. Allele origin: germline.
Comment: This sequence change creates a premature translational stop signal (p.Ser322Leufs*78) in the KMT2A gene. It is expected to result in an absent or disrupted protein product. Loss-of-function variants in KMT2A are known to be pathogenic (PMID: 22795537, 25810209, 29574747). This variant is not present in population databases (gnomAD no frequency). This variant has not been reported in the literature in individuals affected with KMT2A-related conditions. For these reasons, this variant has been classified as Pathogenic.

Literature cited by the submitters: PubMed 22795537; PubMed 25810209; PubMed 29574747.

NM_001197104.2(KMT2A):c.964del (p.Ser322fs)

Gene: KMT2A (lysine methyltransferase 2A; plus strand). Cytogenetic location: 11q23.3.
Variant type: Deletion.
Coding change: c.964del on transcript NM_001197104.2 (MANE Select); coding-DNA position 964, one base deleted (T; older notation c.964delT).
Protein change: p.Ser322fs; shifts the reading frame from serine 322.
Molecular consequence: frameshift variant.
Genome position (GRCh38, 1-based): chr11:118,472,123, T deleted; the last of 2 consecutive T bases (chr11:118,472,122-118,472,123); deleting either gives the same sequence. VCF-style (leftmost placement, unchanged base first): chr11-118472121-AT-A. GRCh37 (hg19) VCF-style: chr11-118342836-AT-A.
Other names: c.1063del, p.Ser355fs (NM_001412597.1); c.964del, p.Ser322fs (NM_005933.4); short protein forms S322fs, S355fs.
Identifiers: ClinVar variation 3721003 (VCV003721003.2).
Genomic context (GRCh38, chr11:118,472,121, plus strand): 5'-GACGGAGAGGAAGGCCTCCATCAACAGAAAGGATAAAGACCCCTTCGGGTCTCCTCATTA[AT>A]TCTGAACTGGAAAAGCCCCAGAAAGTCCGGAAAGACAAGGAAGGAACACCTCCACTTACA-3'